The following is an entry in ClinVar:

NM_007194.4(CHEK2):c.847-7T>C

Gene: CHEK2 (checkpoint kinase 2; minus strand). Cytogenetic location: 22q12.1.
Variant type: single nucleotide variant.
Coding change: c.847-7T>C on transcript NM_007194.4 (MANE Select); 7 bases into the intron before coding-DNA position 847, T replaced by C.
Molecular consequence: intron variant.
Genome position (GRCh38, 1-based): chr22:28,703,573, A>G on the plus strand (T>C on the coding strand, the complement: CHEK2 is on the minus strand). VCF-style: chr22-28703573-A-G. GRCh37 (hg19) VCF-style: chr22-29099561-A-G.
Other names: c.184-7T>C (NM_001437942.1, NM_001257387.3); c.646-7T>C (NM_001349956.3); c.847-7T>C (NM_145862.3); c.940-7T>C (NM_001438295.1, NM_001438293.1); c.976-7T>C (NM_001438294.1, NM_001005735.3).
Identifiers: ClinVar variation 747825 (VCV000747825.17), dbSNP rs1057520267, ClinGen allele CA915952858.

ClinVar aggregate classification (germline): Conflicting classifications of pathogenicity. Review status: criteria provided, conflicting classifications (1 of 4 stars). 5 submissions from 5 submitters: Uncertain significance (3); Likely benign (2). Last evaluated 2025-12-02.

Conditions:
Familial cancer of breast. Also called: BREAST CANCER, FAMILIAL; hereditary breast carcinoma; Hereditary breast cancer. Identifiers: Orphanet 227535, MedGen C0346153, MONDO:0016419, OMIM 114480. Disease mechanism: loss of function.
Hereditary cancer-predisposing syndrome. Also called: Tumor predisposition; Hereditary neoplastic syndrome; Neoplastic Syndromes, Hereditary; Hereditary Cancer Syndrome. Identifiers: Orphanet 140162, MedGen C0027672, MeSH D009386, MONDO:0015356.

Allele frequency attached by ClinVar (database versions not stated): TOPMed 0.00002.
gnomAD v4.1: 1 of 1,546,808 alleles (0.000065%); no homozygotes.

Submissions (5):

Labcorp Genetics (formerly Invitae), Labcorp
Classification: Likely benign for Familial cancer of breast. Last evaluated: 2025-12-02. Review status: criteria provided, single submitter. Criteria: Invitae Variant Classification Sherloc (09022015). Collection method: clinical testing. Allele origin: germline.

Quest Diagnostics Nichols Institute San Juan Capistrano
Classification: Uncertain significance. Last evaluated: 2025-01-21. Review status: criteria provided, single submitter. Criteria: Quest Diagnostics criteria. Collection method: clinical testing. Allele origin: unknown.
Comment: The CHEK2 c.847-7T>C variant has not been reported in individuals with CHEK2-related conditions in the published literature. It also has not been reported in large, multi-ethnic general populations (Genome Aggregation Database). Analysis of this variant using software algorithms for the prediction of the effect of nucleotide changes on splicing yielded predictions that this variant does not affect CHEK2 mRNA splicing. Based on the available information, we are unable to determine the clinical significance of this variant.

Myriad Genetics, Inc.
Classification: Likely benign for Familial cancer of breast. Last evaluated: 2024-10-03. Review status: criteria provided, single submitter. Criteria: Myriad Autosomal Dominant, Autosomal Recessive and X-Linked Classification Criteria (2023). Collection method: clinical testing. Allele origin: unknown.
Comment: This variant is considered likely benign. This variant is intronic and is not expected to impact mRNA splicing.

Sema4
Classification: Uncertain significance for Hereditary cancer-predisposing syndrome. Last evaluated: 2022-01-13. Review status: criteria provided, single submitter. Criteria: Sema4 Curation Guidelines. Collection method: curation. Allele origin: germline.
Comment: The CHEK2 c.847-7T>C variant has not been reported in the literature to our knowledge. It was not observed in the large and broad cohorts of the Genome Aggregation Database (PMID: 32461654). This variant has been reported in ClinVar (Variation ID 747825). Algorithms developed to predict the effect of sequence changes on RNA splicing do not suggest an impact, though these predictions have not been confirmed by functional studies. The evidence is insufficient to meet ACMG/AMP criteria for classifying the variant as benign or pathogenic. Thus, the clinical significance of this variant is currently uncertain.

Color Diagnostics, LLC DBA Color Health
Classification: Uncertain significance for Hereditary cancer-predisposing syndrome. Last evaluated: 2019-09-30. Review status: criteria provided, single submitter. Criteria: ACMG Guidelines, 2015. Collection method: clinical testing. Allele origin: germline.
Comment: This variant causes a T>C nucleotide substitution at the -7 position of intron 7 of the CHEK2 gene. To our knowledge, functional studies have not been performed for this variant. This variant has not been reported in individuals affected with hereditary cancer in the literature. This variant has not been identified in the general population by the Genome Aggregation Database (gnomAD). The available evidence is insufficient to determine the role of this variant in disease conclusively. Therefore, this variant is classified as a Variant of Uncertain Significance.